The following is an entry in ClinVar:

NM_020884.7(MYH7B):c.1216C>T (p.Arg406Trp)

Gene: MYH7B (myosin heavy chain 7B; plus strand). Cytogenetic location: 20q11.22.
Variant type: single nucleotide variant.
Coding change: c.1216C>T on transcript NM_020884.7 (MANE Select); coding-DNA position 1216, C replaced by T.
Protein change: p.Arg406Trp; replaces arginine 406 with tryptophan.
Molecular consequence: missense variant.
Genome position (GRCh38, 1-based): chr20:34,987,625, C>T. VCF-style: chr20-34987625-C-T. GRCh37 (hg19) VCF-style: chr20-33575428-C-T.
Other names: short protein forms R406W.
Identifiers: ClinVar variation 2416669 (VCV002416669.6), dbSNP rs764290402, ClinGen allele CA9826857.

ClinVar aggregate classification (germline): Uncertain significance (1 of 4 stars; one submission).

Allele frequency attached by ClinVar (database versions not stated): gnomAD 0.00001; ExAC 0.00002; gnomAD exomes 0.00002; TOPMed 0.00003.
gnomAD v4.1: 29 of 1,613,980 alleles (0.0018%); highest among the groups gnomAD compares: Middle Eastern, 0.016%; no homozygotes.

Submission:

Labcorp Genetics (formerly Invitae), Labcorp
Classification: Uncertain significance. Last evaluated: 2022-05-27. Review status: criteria provided, single submitter. Criteria: Invitae Variant Classification Sherloc (09022015). Collection method: clinical testing. Allele origin: germline.
Comment: In summary, the available evidence is currently insufficient to determine the role of this variant in disease. Therefore, it has been classified as a Variant of Uncertain Significance. Algorithms developed to predict the effect of missense changes on protein structure and function (SIFT, PolyPhen-2, Align-GVGD) all suggest that this variant is likely to be disruptive. This variant has not been reported in the literature in individuals affected with MYH7B-related conditions. This variant is present in population databases (rs764290402, gnomAD 0.02%). This sequence change replaces arginine, which is basic and polar, with tryptophan, which is neutral and slightly polar, at codon 448 of the MYH7B protein (p.Arg448Trp).